The following is an entry in ClinVar:

ClinVar aggregate classification (germline): Uncertain significance (1 of 4 stars; one submission).

Conditions:
PEX1-related disorder. Also called: PEX1-related condition.

Submission:

3billion
Classification: Uncertain significance for PEX1-related disorder. Last evaluated: 2025-07-27. Review status: criteria provided, single submitter. Criteria: ACMG Guidelines, 2015. Collection method: clinical testing. Allele origin: germline. Affected: yes.
Comment: The variant is observed at an extremely low frequency in the gnomAD v4.1.0 dataset (total allele frequency: <0.001%). Predicted Consequence/Location: Start-lost: reinitiation of translation may occur at a downstream alternate start codon but still result in a loss or disruption of normal protein function as there have been pathogenic variants reported upstream of the alternate start codon. Therefore, this variant is classified as VUS according to the recommendation of ACMG/AMP guideline.

NM_000466.3(PEX1):c.2T>A (p.Met1Lys)

Genes: PEX1 (peroxisomal biogenesis factor 1; minus strand), LOC129998796 (ATAC-STARR-seq lymphoblastoid silent region 18372; plus strand). Cytogenetic location: 7q21.2.
Variant type: single nucleotide variant.
Coding change: c.2T>A on transcript NM_000466.3 (MANE Select); coding-DNA position 2, T replaced by A.
Protein change: p.Met1Lys; changes the start codon (methionine 1).
Molecular consequence: missense variant, initiator codon variant. On other transcripts: 5 prime UTR variant (1).
Genome position (GRCh38, 1-based): chr7:92,528,434, A>T on the plus strand (T>A on the coding strand, the complement: PEX1 is on the minus strand). VCF-style: chr7-92528434-A-T. GRCh37 (hg19) VCF-style: chr7-92157748-A-T.
Other names: c.2T>A, p.Met1Lys (NM_001282677.2); c.-658T>A (NM_001282678.2); short protein forms M1K.
Identifiers: ClinVar variation 4855725 (VCV004855725.1).